The following is an entry in ClinVar:

NM_198282.4(STING1):c.851G>C (p.Arg284Thr)

Gene: STING1 (stimulator of interferon response cGAMP interactor 1; minus strand). Cytogenetic location: 5q31.2.
Variant type: single nucleotide variant.
Coding change: c.851G>C on transcript NM_198282.4 (MANE Select); coding-DNA position 851, G replaced by C.
Protein change: p.Arg284Thr; replaces arginine 284 with threonine.
Molecular consequence: missense variant. On other transcripts: intron variant (1).
Genome position (GRCh38, 1-based): chr5:139,477,424, C>G on the plus strand (G>C on the coding strand, the complement: STING1 is on the minus strand). VCF-style: chr5-139477424-C-G. GRCh37 (hg19) VCF-style: chr5-138857009-C-G.
Other names: c.494G>C, p.Arg165Thr (NM_001367258.1); c.759+846G>C (NM_001301738.2); short protein forms R284T, R165T.
Identifiers: ClinVar variation 2022271 (VCV002022271.4), dbSNP rs2547062066, ClinGen allele CA361479602.

ClinVar aggregate classification (germline): Pathogenic (1 of 4 stars; one submission).

Conditions:
STING-associated vasculopathy with onset in infancy. Also called: Sting-associated vasculopathy, infantile-onset. Identifiers: Orphanet 425120, MedGen C4014722, MONDO:0014405, OMIM 615934.

Submission:

Labcorp Genetics (formerly Invitae), Labcorp
Classification: Pathogenic for STING-associated vasculopathy with onset in infancy. Last evaluated: 2022-09-07. Review status: criteria provided, single submitter. Criteria: Invitae Variant Classification Sherloc (09022015). Collection method: clinical testing. Allele origin: germline.
Comment: For these reasons, this variant has been classified as Pathogenic. This variant disrupts the p.Arg284 amino acid residue in TMEM173. Other variant(s) that disrupt this residue have been determined to be pathogenic (PMID: 29694889, 30038614). This suggests that this residue is clinically significant, and that variants that disrupt this residue are likely to be disease-causing. Experimental studies have shown that this missense change affects TMEM173 function (PMID: 25790474). Algorithms developed to predict the effect of missense changes on protein structure and function (SIFT, PolyPhen-2, Align-GVGD) all suggest that this variant is likely to be disruptive. This missense change has been observed in individual(s) with clinical features of STING-associated vasculopathy (Invitae). In at least one individual the variant was observed to be de novo. This sequence change replaces arginine, which is basic and polar, with threonine, which is neutral and polar, at codon 284 of the TMEM173 protein (p.Arg284Thr). This variant is not present in population databases (gnomAD no frequency).

Literature cited by the submitters: PubMed 29694889; PubMed 30038614; PubMed 25790474.